The following is an entry in ClinVar:

ClinVar aggregate classification (germline): Uncertain significance (1 of 4 stars; one submission).

Conditions:
Inborn genetic diseases. Identifiers: MedGen C0950123, MeSH D030342.

Allele frequency attached by ClinVar (database versions not stated): gnomAD exomes below 0.00001.
gnomAD v4.1: 2 of 1,614,012 alleles (0.00012%); highest among the groups gnomAD compares: African/African-American, 0.0027%; no homozygotes.

Submission:

Ambry Genetics
Classification: Uncertain significance for Inborn genetic diseases. Last evaluated: 2022-04-26. Review status: criteria provided, single submitter. Criteria: Ambry Variant Classification Scheme 2023. Collection method: clinical testing. Allele origin: germline.
Comment: The p.Y657C variant (also known as c.1970A>G), located in coding exon 12 of the TRPV4 gene, results from an A to G substitution at nucleotide position 1970. The tyrosine at codon 657 is replaced by cysteine, an amino acid with highly dissimilar properties. This amino acid position is conserved. In addition, this alteration is predicted to be deleterious by in silico analysis. Since supporting evidence is limited at this time, the clinical significance of this alteration remains unclear.

NM_021625.5(TRPV4):c.1970A>G (p.Tyr657Cys)

Gene: TRPV4 (transient receptor potential cation channel subfamily V member 4; minus strand). Cytogenetic location: 12q24.11.
Variant type: single nucleotide variant.
Coding change: c.1970A>G on transcript NM_021625.5 (MANE Select); coding-DNA position 1970, A replaced by G.
Protein change: p.Tyr657Cys; replaces tyrosine 657 with cysteine.
Molecular consequence: missense variant.
Genome position (GRCh38, 1-based): chr12:109,788,638, T>C on the plus strand (A>G on the coding strand, the complement: TRPV4 is on the minus strand). VCF-style: chr12-109788638-T-C. GRCh37 (hg19) VCF-style: chr12-110226443-T-C.
Other names: c.1829A>G, p.Tyr610Cys (NM_001177428.2); c.1868A>G, p.Tyr623Cys (NM_001177431.2); c.1649A>G, p.Tyr550Cys (NM_001177433.2); c.1790A>G, p.Tyr597Cys (NM_147204.3); short protein forms Y550C, Y657C, Y597C, Y610C, Y623C.
Identifiers: ClinVar variation 1783605 (VCV001783605.2), dbSNP rs1889848512, ClinGen allele CA386650957.
Genomic context (GRCh38, chr12:109,788,638, plus strand): 5'-GTCAGCTTAAACAGGTCCAGGAGGAAGGTGCTGAAGGTCTCGCTGTCACGGCACGAGGGG[T>C]AAGTGGGCACTGTGCAGTTGGTCTGGTCCTCATTGCACACCTTCATGTTGGCACACGGGT-3'
Protein context (NP_067638.3, residues 647-667): EDQTNCTVPT[Tyr657Cys]PSCRDSETFS